The following is an entry in ClinVar:

NM_001029883.3(PCARE):c.3461G>C (p.Gly1154Ala)

Gene: PCARE (photoreceptor cilium actin regulator; minus strand). Cytogenetic location: 2p23.2.
Variant type: single nucleotide variant.
Coding change: c.3461G>C on transcript NM_001029883.3 (MANE Select); coding-DNA position 3461, G replaced by C.
Protein change: p.Gly1154Ala; replaces glycine 1154 with alanine.
Molecular consequence: missense variant.
Genome position (GRCh38, 1-based): chr2:29,070,801, C>G on the plus strand (G>C on the coding strand, the complement: PCARE is on the minus strand). VCF-style: chr2-29070801-C-G. GRCh37 (hg19) VCF-style: chr2-29293667-C-G.
Other names: short protein forms G1154A.
Identifiers: ClinVar variation 1051281 (VCV001051281.11), dbSNP rs756312779, ClinGen allele CA1591927.

ClinVar aggregate classification (germline): Uncertain significance. Review status: criteria provided, multiple submitters, no conflicts (2 of 4 stars). 2 submissions from 2 submitters: Uncertain significance (2). Last evaluated 2022-12-05.

Allele frequency attached by ClinVar (database versions not stated): ExAC 0.00001; gnomAD exomes 0.00001; gnomAD 0.00003; TOPMed 0.00008.
gnomAD v4.1: 22 of 1,613,948 alleles (0.0014%); highest among the groups gnomAD compares: African/African-American, 0.008%; no homozygotes.

Submissions (2):

Blueprint Genetics
Classification: Uncertain significance. Last evaluated: 2022-12-05. Review status: criteria provided, single submitter. Criteria: ACMG Guidelines, 2015. Collection method: clinical testing. Allele origin: germline.

Labcorp Genetics (formerly Invitae), Labcorp
Classification: Uncertain significance. Last evaluated: 2022-07-06. Review status: criteria provided, single submitter. Criteria: Invitae Variant Classification Sherloc (09022015). Collection method: clinical testing. Allele origin: germline.
Comment: This sequence change replaces glycine, which is neutral and non-polar, with alanine, which is neutral and non-polar, at codon 1154 of the PCARE protein (p.Gly1154Ala). This variant is present in population databases (rs756312779, gnomAD 0.01%). This variant has not been reported in the literature in individuals affected with PCARE-related conditions. ClinVar contains an entry for this variant (Variation ID: 1051281). Algorithms developed to predict the effect of missense changes on protein structure and function output the following: SIFT: "Tolerated"; PolyPhen-2: "Benign"; Align-GVGD: "Class C0". The alanine amino acid residue is found in multiple mammalian species, which suggests that this missense change does not adversely affect protein function. In summary, the available evidence is currently insufficient to determine the role of this variant in disease. Therefore, it has been classified as a Variant of Uncertain Significance.